The following is an entry in ClinVar:

ClinVar aggregate classification (germline): Uncertain significance (1 of 4 stars; one submission).

Conditions:
Cardiovascular phenotype. Identifiers: MedGen CN230736.

Submission:

Ambry Genetics
Classification: Uncertain significance for Cardiovascular phenotype. Last evaluated: 2025-06-22. Review status: criteria provided, single submitter. Criteria: Ambry Variant Classification Scheme 2023. Collection method: clinical testing. Allele origin: germline.
Comment: The p.Q740E variant (also known as c.2218C>G), located in coding exon 14 of the CBL gene, results from a C to G substitution at nucleotide position 2218. The glutamine at codon 740 is replaced by glutamic acid, an amino acid with highly similar properties. This amino acid position is conserved. In addition, the in silico prediction for this alteration is inconclusive. Based on the available evidence, the clinical significance of this variant remains unclear.

NM_005188.4(CBL):c.2218C>G (p.Gln740Glu)

Gene: CBL (Cbl proto-oncogene; plus strand). Cytogenetic location: 11q23.3.
Variant type: single nucleotide variant.
Coding change: c.2218C>G on transcript NM_005188.4 (MANE Select); coding-DNA position 2218, C replaced by G.
Protein change: p.Gln740Glu; replaces glutamine 740 with glutamic acid.
Molecular consequence: missense variant.
Genome position (GRCh38, 1-based): chr11:119,297,448, C>G. VCF-style: chr11-119297448-C-G. GRCh37 (hg19) VCF-style: chr11-119168158-C-G.
Other names: short protein forms Q740E.
Identifiers: ClinVar variation 4219843 (VCV004219843.1).